The following is an entry in ClinVar:

ClinVar aggregate classification (germline): Likely benign. Review status: criteria provided, multiple submitters, no conflicts (2 of 4 stars). 4 submissions from 4 submitters: Likely benign (4). Last evaluated 2025-12-16.

Conditions:
Primary ciliary dyskinesia. Also called: Ciliary dyskinesia. Identifiers: Orphanet 244, MedGen C0008780, MONDO:0016575, HP:0012265.

Allele frequency attached by ClinVar (database versions not stated): ExAC 0.00005; gnomAD exomes 0.00007 and 0.00014; gnomAD 0.00009 and 0.00010; TOPMed 0.00010.
gnomAD v4.1: 207 of 1,611,742 alleles (0.013%); highest among the groups gnomAD compares: Non-Finnish European, 0.017%; no homozygotes.

Submissions (4):

Labcorp Genetics (formerly Invitae), Labcorp
Classification: Likely benign for Primary ciliary dyskinesia. Last evaluated: 2025-12-16. Review status: criteria provided, single submitter. Criteria: Invitae Variant Classification Sherloc (09022015). Collection method: clinical testing. Allele origin: germline.

CeGaT Center for Human Genetics Tuebingen
Classification: Likely benign. Last evaluated: 2025-07-01. Review status: criteria provided, single submitter. Criteria: CeGaT Center For Human Genetics Tuebingen Variant Classification Criteria Version 2. Collection method: clinical testing. Allele origin: germline. Affected: yes. Observed: 1 variant allele.
Comment: DNAH11: BP4, BP7

Blueprint Genetics
Classification: Likely benign. Last evaluated: 2024-04-26. Review status: criteria provided, single submitter. Criteria: ACMG Guidelines, 2015. Collection method: clinical testing. Allele origin: germline.

Ambry Genetics
Classification: Likely benign for Primary ciliary dyskinesia. Last evaluated: 2022-07-17. Review status: criteria provided, single submitter. Criteria: Ambry Variant Classification Scheme 2023. Collection method: clinical testing. Allele origin: germline.

NM_001277115.2(DNAH11):c.7311G>A (p.Glu2437=)

Gene: DNAH11 (dynein axonemal heavy chain 11; plus strand). Cytogenetic location: 7p15.3.
Variant type: single nucleotide variant.
Coding change: c.7311G>A on transcript NM_001277115.2 (MANE Select); coding-DNA position 7311, G replaced by A.
Protein change: p.Glu2437=; no amino-acid change (glutamic acid 2437 retained).
Molecular consequence: synonymous variant.
Genome position (GRCh38, 1-based): chr7:21,725,855, G>A. VCF-style: chr7-21725855-G-A. GRCh37 (hg19) VCF-style: chr7-21765473-G-A.
Identifiers: ClinVar variation 697701 (VCV000697701.21), dbSNP rs762639291, ClinGen allele CA4181189.